The following is an entry in ClinVar:

ClinVar aggregate classification (germline): Uncertain significance. Review status: criteria provided, multiple submitters, no conflicts (2 of 4 stars). 2 submissions from 2 submitters: Uncertain significance (2). Last evaluated 2025-10-21.

Conditions:
Cardiovascular phenotype. Identifiers: MedGen CN230736.

Allele frequency attached by ClinVar (database versions not stated): TOPMed below 0.00001; gnomAD 0.00001; gnomAD exomes 0.00001.
gnomAD v4.1: 23 of 1,614,018 alleles (0.0014%); highest among the groups gnomAD compares: Non-Finnish European, 0.0019%; no homozygotes.

Submissions (2):

Labcorp Genetics (formerly Invitae), Labcorp
Classification: Uncertain significance. Last evaluated: 2025-10-21. Review status: criteria provided, single submitter. Criteria: Invitae Variant Classification Sherloc (09022015). Collection method: clinical testing. Allele origin: germline.
Comment: This sequence change replaces valine, which is neutral and non-polar, with isoleucine, which is neutral and non-polar, at codon 959 of the ALPK3 protein (p.Val959Ile). This variant is not present in population databases (gnomAD no frequency). This variant has not been reported in the literature in individuals affected with ALPK3-related conditions. ClinVar contains an entry for this variant (Variation ID: 2563936). Invitae Evidence Modeling of protein sequence and biophysical properties (such as structural, functional, and spatial information, amino acid conservation, physicochemical variation, residue mobility, and thermodynamic stability) indicates that this missense variant is not expected to disrupt ALPK3 protein function with a negative predictive value of 80%. In summary, the available evidence is currently insufficient to determine the role of this variant in disease. Therefore, it has been classified as a Variant of Uncertain Significance.

Ambry Genetics
Classification: Uncertain significance for Cardiovascular phenotype. Last evaluated: 2023-03-31. Review status: criteria provided, single submitter. Criteria: Ambry Variant Classification Scheme 2023. Collection method: clinical testing. Allele origin: germline.
Comment: The p.V959I variant (also known as c.2875G>A), located in coding exon 6 of the ALPK3 gene, results from a G to A substitution at nucleotide position 2875. The valine at codon 959 is replaced by isoleucine, an amino acid with highly similar properties. This amino acid position is conserved. In addition, this alteration is predicted to be tolerated by in silico analysis. Since supporting evidence is limited at this time, the clinical significance of this alteration remains unclear.

NM_020778.5(ALPK3):c.2269G>A (p.Val757Ile)

Gene: ALPK3 (alpha kinase 3; plus strand). Cytogenetic location: 15q25.3.
Variant type: single nucleotide variant.
Coding change: c.2269G>A on transcript NM_020778.5 (MANE Select); coding-DNA position 2269, G replaced by A.
Protein change: p.Val757Ile; replaces valine 757 with isoleucine.
Molecular consequence: missense variant.
Genome position (GRCh38, 1-based): chr15:84,857,007, G>A. VCF-style: chr15-84857007-G-A. GRCh37 (hg19) VCF-style: chr15-85400238-G-A.
Other names: short protein forms V757I.
Identifiers: ClinVar variation 2563936 (VCV002563936.3), dbSNP rs1231064184, ClinGen allele CA393356546.